The following is an entry in ClinVar:

ClinVar aggregate classification (germline): Likely pathogenic (1 of 4 stars; one submission).

Conditions:
Dihydropteridine reductase deficiency (HPABH4C). Also called: DHPR DEFICIENCY; Hyperphenylalaninemia due to dihydropteridine reductase deficiency; Hyperphenylalaninemia, BH-4-deficient, C; Phenylketonuria type 2; BH4-Deficient Hyperphenylalaninemia C; HYPERPHENYLALANINEMIA, TETRAHYDROBIOPTERIN-DEFICIENT, DUE TO DHPR DEFICIENCY. Identifiers: Orphanet 226, Orphanet 238583, MedGen C0268465, MONDO:0009862, OMIM 261630.

Submission:

Labcorp Genetics (formerly Invitae), Labcorp
Classification: Likely pathogenic for Dihydropteridine reductase deficiency. Last evaluated: 2023-11-17. Review status: criteria provided, single submitter. Criteria: Invitae Variant Classification Sherloc (09022015). Collection method: clinical testing. Allele origin: germline.
Comment: This sequence change replaces glycine, which is neutral and non-polar, with arginine, which is basic and polar, at codon 149 of the QDPR protein (p.Gly149Arg). This variant is not present in population databases (gnomAD no frequency). A different variant (c.445G>A) giving rise to the same protein effect has been determined to be pathogenic (PMID: 11153907, 21890392). This suggests that this variant is also likely to be causative of disease. An algorithm developed to predict the effect of missense changes on protein structure and function (PolyPhen-2) suggests that this variant is likely to be disruptive. In summary, the currently available evidence indicates that the variant is pathogenic, but additional data are needed to prove that conclusively. Therefore, this variant has been classified as Likely Pathogenic.

Literature cited by the submitters: PubMed 11153907; PubMed 21890392.

NM_000320.3(QDPR):c.445G>C (p.Gly149Arg)

Gene: QDPR (quinoid dihydropteridine reductase; minus strand). Cytogenetic location: 4p15.32.
Variant type: single nucleotide variant.
Coding change: c.445G>C on transcript NM_000320.3 (MANE Select); coding-DNA position 445, G replaced by C.
Protein change: p.Gly149Arg; replaces glycine 149 with arginine.
Molecular consequence: missense variant.
Genome position (GRCh38, 1-based): chr4:17,492,332, C>G on the plus strand (G>C on the coding strand, the complement: QDPR is on the minus strand). VCF-style: chr4-17492332-C-G. GRCh37 (hg19) VCF-style: chr4-17493955-C-G.
Other names: c.352G>C, p.Gly118Arg (NM_001306140.2); short protein forms G118R, G149R.
Identifiers: ClinVar variation 2696413 (VCV002696413.3), dbSNP rs1028029163, ClinGen allele CA356444886.